The following is an entry in ClinVar:

ClinVar aggregate classification (germline): Uncertain significance (1 of 4 stars; one submission).

Conditions:
Fanconi anemia (FA). Also called: Fanconi's anemia. Identifiers: Orphanet 84, MedGen C0015625, MeSH D005199, MONDO:0019391.

Submission:

Labcorp Genetics (formerly Invitae), Labcorp
Classification: Uncertain significance for Fanconi anemia. Last evaluated: 2023-09-08. Review status: criteria provided, single submitter. Criteria: Invitae Variant Classification Sherloc (09022015). Collection method: clinical testing. Allele origin: germline.
Comment: Advanced modeling of protein sequence and biophysical properties (such as structural, functional, and spatial information, amino acid conservation, physicochemical variation, residue mobility, and thermodynamic stability) performed at Invitae indicates that this missense variant is not expected to disrupt FANCI protein function. In summary, the available evidence is currently insufficient to determine the role of this variant in disease. Therefore, it has been classified as a Variant of Uncertain Significance. This variant has not been reported in the literature in individuals affected with FANCI-related conditions. This sequence change replaces glycine, which is neutral and non-polar, with serine, which is neutral and polar, at codon 381 of the FANCI protein (p.Gly381Ser). This variant is not present in population databases (gnomAD no frequency).

NM_001113378.2(FANCI):c.1141G>A (p.Gly381Ser)

Gene: FANCI (FA complementation group I; plus strand). Cytogenetic location: 15q26.1.
Variant type: single nucleotide variant.
Coding change: c.1141G>A on transcript NM_001113378.2 (MANE Select); coding-DNA position 1141, G replaced by A.
Protein change: p.Gly381Ser; replaces glycine 381 with serine.
Molecular consequence: missense variant.
Genome position (GRCh38, 1-based): chr15:89,276,739, G>A. VCF-style: chr15-89276739-G-A. GRCh37 (hg19) VCF-style: chr15-89819970-G-A.
Other names: c.862G>A, p.Gly288Ser (NM_001376910.1); c.1141G>A, p.Gly381Ser (NM_001376911.1, NM_018193.3); short protein forms G381S, G288S.
Identifiers: ClinVar variation 2903094 (VCV002903094.1), dbSNP rs2506447352, ClinGen allele CA393741992.